The following is an entry in ClinVar:

ClinVar aggregate classification (germline): Uncertain significance (1 of 4 stars; one submission).

Conditions:
Peroxisome biogenesis disorder 2B (PBD2B). Identifiers: Orphanet 44, MedGen C3550234, MONDO:0008736, OMIM 202370.

gnomAD v4.1: 4 of 1,612,596 alleles (0.00025%); highest among the groups gnomAD compares: South Asian, 0.0011%; no homozygotes.

Submission:

Labcorp Genetics (formerly Invitae), Labcorp
Classification: Uncertain significance for Peroxisome biogenesis disorder 2B. Last evaluated: 2024-04-09. Review status: criteria provided, single submitter. Criteria: Invitae Variant Classification Sherloc (09022015). Collection method: clinical testing. Allele origin: germline.
Comment: This sequence change replaces lysine, which is basic and polar, with threonine, which is neutral and polar, at codon 209 of the PEX5 protein (p.Lys209Thr). This variant is not present in population databases (gnomAD no frequency). This variant has not been reported in the literature in individuals affected with PEX5-related conditions. Advanced modeling of protein sequence and biophysical properties (such as structural, functional, and spatial information, amino acid conservation, physicochemical variation, residue mobility, and thermodynamic stability) has been performed at Invitae for this missense variant, however the output from this modeling did not meet the statistical confidence thresholds required to predict the impact of this variant on PEX5 protein function. In summary, the available evidence is currently insufficient to determine the role of this variant in disease. Therefore, it has been classified as a Variant of Uncertain Significance.

NM_001351132.2(PEX5):c.626A>C (p.Lys209Thr)

Gene: PEX5 (peroxisomal biogenesis factor 5; plus strand). Cytogenetic location: 12p13.31.
Variant type: single nucleotide variant.
Coding change: c.626A>C on transcript NM_001351132.2 (MANE Select); coding-DNA position 626, A replaced by C.
Protein change: p.Lys209Thr; replaces lysine 209 with threonine.
Molecular consequence: missense variant.
Genome position (GRCh38, 1-based): chr12:7,201,825, A>C. VCF-style: chr12-7201825-A-C. GRCh37 (hg19) VCF-style: chr12-7354421-A-C.
Other names: c.626A>C, p.Lys209Thr (NM_000319.5, NM_001131024.2, NM_001131025.2 and 19 more transcripts); c.671A>C, p.Lys224Thr (NM_001131023.2, NM_001351135.3, NM_001351138.2); short protein forms K209T, K224T.
Identifiers: ClinVar variation 3607111 (VCV003607111.2).